The following is an entry in ClinVar:

ClinVar aggregate classification (germline): Uncertain significance (1 of 4 stars; one submission).

Conditions:
Inborn genetic diseases. Identifiers: MedGen C0950123, MeSH D030342.

gnomAD v4.1: 3 of 1,613,970 alleles (0.00019%); highest among the groups gnomAD compares: East Asian, 0.0022%; no homozygotes.

Submission:

Ambry Genetics
Classification: Uncertain significance for Inborn genetic diseases. Last evaluated: 2025-12-26. Review status: criteria provided, single submitter. Criteria: Ambry Variant Classification Scheme 2023. Collection method: clinical testing. Allele origin: germline.
Comment: The p.R632H variant (also known as c.1895G>A), located in coding exon 17 of the KDM1A gene, results from a G to A substitution at nucleotide position 1895. The arginine at codon 632 is replaced by histidine, an amino acid with highly similar properties. This amino acid position is conserved. In addition, the in silico prediction for this alteration is inconclusive. Based on the available evidence, the clinical significance of this variant remains unclear.

NM_001009999.3(KDM1A):c.1895G>A (p.Arg632His)

Gene: KDM1A (lysine demethylase 1A; plus strand). Cytogenetic location: 1p36.12.
Variant type: single nucleotide variant.
Coding change: c.1895G>A on transcript NM_001009999.3 (MANE Select); coding-DNA position 1895, G replaced by A.
Protein change: p.Arg632His; replaces arginine 632 with histidine.
Molecular consequence: missense variant.
Genome position (GRCh38, 1-based): chr1:23,079,017, G>A. VCF-style: chr1-23079017-G-A. GRCh37 (hg19) VCF-style: chr1-23405510-G-A.
Other names: c.1841G>A, p.Arg614His (NM_001363654.2); c.1901G>A, p.Arg634His (NM_001410762.1); c.1823G>A, p.Arg608His (NM_001410763.1, NM_015013.4); short protein forms R608H, R632H, R634H, R614H.
Identifiers: ClinVar variation 4841912 (VCV004841912.1).
Genomic context (GRCh38, chr1:23,079,017, plus strand): 5'-CACCACTAGTCTTTTCCCACCCAACCTCTGCAGGATGTGAAGTGATAGCTGTGAATACCC[G>A]CTCCACGAGTCAAACCTTTATTTATAAATGCGACGCAGTTCTCTGTACCCTTCCCCTGGG-3'
Protein context (NP_001009999.1, residues 622-642): SGCEVIAVNT[Arg632His]STSQTFIYKC